The following is an entry in ClinVar:

ClinVar aggregate classification (germline): Uncertain significance (1 of 4 stars; one submission).

Conditions:
Benign neonatal seizures. Also called: Convulsions benign familial neonatal dominant form; Autosomal dominant form of benign neonatal seizures; Benign familial neonatal epilepsy; Benign familial neonatal seizures; Benign neonatal familial convulsions. Identifiers: Orphanet 1949, MedGen C0220669, MONDO:0016027.

Submission:

Labcorp Genetics (formerly Invitae), Labcorp
Classification: Uncertain significance for Benign neonatal seizures. Last evaluated: 2023-05-23. Review status: criteria provided, single submitter. Criteria: Invitae Variant Classification Sherloc (09022015). Collection method: clinical testing. Allele origin: germline.
Comment: This variant, c.27_35dup, results in the insertion of 3 amino acid(s) of the KCNQ3 protein (p.Ala11_Gly13dup), but otherwise preserves the integrity of the reading frame. This variant is not present in population databases (gnomAD no frequency). This variant has not been reported in the literature in individuals affected with KCNQ3-related conditions. In summary, the available evidence is currently insufficient to determine the role of this variant in disease. Therefore, it has been classified as a Variant of Uncertain Significance.

NM_004519.4(KCNQ3):c.27_35dup (p.Gly13_Gly14insAlaAlaGly)

Gene: KCNQ3 (potassium voltage-gated channel subfamily Q member 3; minus strand). Cytogenetic location: 8q24.22.
Variant type: Duplication.
Coding change: c.27_35dup on transcript NM_004519.4 (MANE Select); coding-DNA positions 27 to 35, 9 bases duplicated (GGGGGCGGC; older notation c.27_35dupGGGGGCGGC).
Protein change: p.Gly13_Gly14insAlaAlaGly.
Molecular consequence: inframe insertion.
Genome position (GRCh38, 1-based): chr8:132,480,498-132,480,506, GCCGCCCCC duplicated on the plus strand (GGGGGCGGC on the coding strand, the reverse complement: KCNQ3 is on the minus strand); duplicating any 9 consecutive bases within chr8:132,480,498-132,480,513 gives the same sequence; the c. name uses the placement nearest the transcript's 3' end. VCF-style (leftmost placement, unchanged base first): chr8-132480497-A-AGCCGCCCCC. GRCh37 (hg19) VCF-style: chr8-133492744-A-AGCCGCCCCC.
Identifiers: ClinVar variation 2998542 (VCV002998542.3), dbSNP rs1461650908, ClinGen allele CA2740095145.